The following is an entry in ClinVar:

ClinVar aggregate classification (germline): Uncertain significance (1 of 4 stars; one submission).

Submission:

CeGaT Center for Human Genetics Tuebingen
Classification: Uncertain significance. Last evaluated: 2022-03-01. Review status: criteria provided, single submitter. Criteria: CeGaT Center For Human Genetics Tuebingen Variant Classification Criteria Version 2. Collection method: clinical testing. Allele origin: germline. Affected: yes. Observed: 1 variant allele.
Comment: TTN: PM2

NM_001267550.2(TTN):c.64086T>G (p.Asp21362Glu)

Genes: TTN (titin; minus strand), TTN-AS1 (TTN antisense RNA 1; plus strand). Cytogenetic location: 2q31.2.
Variant type: single nucleotide variant.
Coding change: c.64086T>G on transcript NM_001267550.2 (MANE Select); coding-DNA position 64086, T replaced by G.
Protein change: p.Asp21362Glu; replaces aspartic acid 21362 with glutamic acid.
Molecular consequence: missense variant.
Genome position (GRCh38, 1-based): chr2:178,587,125, A>C on the plus strand (T>G on the coding strand, the complement: TTN is on the minus strand). VCF-style: chr2-178587125-A-C. GRCh37 (hg19) VCF-style: chr2-179451852-A-C.
Other names: c.59163T>G, p.Asp19721Glu (NM_001256850.1); c.36891T>G, p.Asp12297Glu (NM_003319.4); c.56382T>G, p.Asp18794Glu (NM_133378.4); c.37266T>G, p.Asp12422Glu (NM_133432.3); c.37467T>G, p.Asp12489Glu (NM_133437.4); short protein forms D12297E, D12422E, D12489E, D18794E, D19721E, D21362E.
Identifiers: ClinVar variation 2651619 (VCV002651619.24), dbSNP rs2469275609, ClinGen allele CA349445943.
Genomic context (GRCh38, chr2:178,587,125, plus strand): 5'-CTTGCTAAAATAGGAGACTGGGGTTAAAAGGAGGAAGAAAGCATAATACTTACTTAGAGG[A>C]TCTGATGCAAGCACTGGTTTTGGGACATCTGTTGGGACGCCAGGGCCATATTCGTTGACA-3'
Protein context (NP_001254479.2, residues 21352-21372): TDVPKPVLAS[Asp21362Glu]PLSEPDPPRK